The following is an entry in ClinVar:

NM_001267550.2(TTN):c.90994G>A (p.Val30332Ile)

Genes: TTN (titin; minus strand), TTN-AS1 (TTN antisense RNA 1; plus strand). Cytogenetic location: 2q31.2.
Variant type: single nucleotide variant.
Coding change: c.90994G>A on transcript NM_001267550.2 (MANE Select); coding-DNA position 90994, G replaced by A.
Protein change: p.Val30332Ile; replaces valine 30332 with isoleucine.
Molecular consequence: missense variant.
Genome position (GRCh38, 1-based): chr2:178,551,906, C>T on the plus strand (G>A on the coding strand, the complement: TTN is on the minus strand). VCF-style: chr2-178551906-C-T. GRCh37 (hg19) VCF-style: chr2-179416633-C-T.
Other names: c.86071G>A, p.Val28691Ile (NM_001256850.1); c.63799G>A, p.Val21267Ile (NM_003319.4); c.83290G>A, p.Val27764Ile (NM_133378.4); c.64174G>A, p.Val21392Ile (NM_133432.3); c.64375G>A, p.Val21459Ile (NM_133437.4); short protein forms V21267I, V21392I, V21459I, V27764I, V28691I, V30332I.
Identifiers: ClinVar variation 4685591 (VCV004685591.1).

ClinVar aggregate classification (germline): Uncertain significance (1 of 4 stars; one submission).

gnomAD v4.1: 2 of 1,613,814 alleles (0.00012%); highest among the groups gnomAD compares: Non-Finnish European, 0.00017%; no homozygotes.

Submission:

ARUP Laboratories, Molecular Genetics and Genomics, ARUP Laboratories
Classification: Uncertain significance. Last evaluated: 2025-01-29. Review status: criteria provided, single submitter. Criteria: ARUP Molecular Germline Variant Investigation Process 2024. Collection method: clinical testing. Allele origin: germline.
Comment: The TTN c.90994G>A; p.Val30332Ile variant is rare in the general population (<0.2% allele frequency in the Genome Aggregation Database) and has not been reported in the medical literature in association with dilated cardiomyopathy (DCM) or other TTN-related disease. The clinical relevance of rare missense variants in this gene, which are identified on average once per individual sequenced in affected populations (Herman 2012), is not well understood. Yet, evidence suggests that the vast majority of such missense variants do not contribute to the clinical outcome of DCM (Begay 2015). Thus, the clinical significance of the p.Val30332Ile variant cannot be determined with certainty. REFERENCES Begay RL et al. Role of Titin Missense Variants in Dilated Cardiomyopathy. J Am Heart Assoc. 2015 Nov 13;4(11). PMID: 26567375. Herman DS et al. Truncations of titin causing dilated cardiomyopathy. N Engl J Med. 2012 Feb 16;366(7):619-28. PMID: 22335739. Linke and Hamdani. Gigantic business: titin properties and function through thick and thin. Circ Res 2014; 114(6): 1052-1068. PMID: 24625729.